The following is an entry in ClinVar:

NM_033380.3(COL4A5):c.3043G>A (p.Gly1015Arg)

Gene: COL4A5 (collagen type IV alpha 5 chain; plus strand). Cytogenetic location: Xq22.3.
Variant type: single nucleotide variant.
Coding change: c.3043G>A on transcript NM_033380.3 (MANE Select); coding-DNA position 3043, G replaced by A.
Protein change: p.Gly1015Arg; replaces glycine 1015 with arginine.
Molecular consequence: missense variant.
Genome position (GRCh38, 1-based): chrX:108,625,731, G>A. VCF-style: chrX-108625731-G-A. GRCh37 (hg19) VCF-style: chrX-107868961-G-A.
Other names: c.3043G>A, p.Gly1015Arg (NM_000495.5); short protein forms G1015R.
Identifiers: ClinVar variation 3236235 (VCV003236235.1), dbSNP rs2067140465, ClinGen allele CA413854539.

ClinVar aggregate classification (germline): Pathogenic (1 of 4 stars; one submission).

Conditions:
X-linked Alport syndrome (ATS1). Also called: COL4A5-Related Nephropathy; NEPHROPATHY AND DEAFNESS, X-LINKED. Identifiers: Orphanet 63, Orphanet 88917, MedGen C4746986, MONDO:0010520, OMIM 301050.

Submission:

MVZ Medizinische Genetik Mainz
Classification: Pathogenic for X-linked Alport syndrome. Last evaluated: 2024-01-04. Review status: criteria provided, single submitter. Criteria: UK Practice Guidelines For Variant Classification V4 01 2020. Collection method: clinical testing. Allele origin: germline. Inheritance: X-linked dominant inheritance. Affected: yes. Observed: 1 variant allele.
Comment: ACMG Criteria: PM1_STR,PM5,PS4_SUP,PM2_SUP,PP3,PP4